The following is an entry in ClinVar:

ClinVar aggregate classification (germline): Likely benign. Review status: criteria provided, multiple submitters, no conflicts (2 of 4 stars). 2 submissions from 2 submitters: Likely benign (2). Last evaluated 2024-01-08.

Conditions:
Hereditary cancer-predisposing syndrome. Also called: Tumor predisposition; Hereditary Cancer Syndrome; Hereditary neoplastic syndrome; Neoplastic Syndromes, Hereditary. Identifiers: Orphanet 140162, MedGen C0027672, MeSH D009386, MONDO:0015356.
Breast-ovarian cancer, familial, susceptibility to, 1 (BROVCA1). Also called: BRCA1 Hereditary Breast and Ovarian Cancer; OVARIAN CANCER, SUSCEPTIBILITY TO. Identifiers: Orphanet 145, MedGen C2676676, MONDO:0011450, OMIM 604370. Disease mechanism: loss of function.

Allele frequency attached by ClinVar (database versions not stated): gnomAD 0.00001; TOPMed 0.00001.
gnomAD v4.1: 1 of 1,497,148 alleles (0.000067%); highest among the groups gnomAD compares: Non-Finnish European, 0.000092%; no homozygotes.

Submissions (2):

All of Us Research Program, National Institutes of Health
Classification: Likely benign for Breast-ovarian cancer, familial, susceptibility to, 1. Last evaluated: 2024-01-08. Review status: criteria provided, single submitter. Criteria: ACMG Guidelines, 2015. Collection method: clinical testing. Allele origin: germline. Inheritance: Autosomal dominant inheritance. Observed: 1 variant allele, 1 heterozygote.
Comment: This study involves interpretation of variants in research participants for the purpose of population health screening. Participant phenotype was not available at the time of variant classification. Additional details can be found in publication PMID: 35346344, PMCID: PMC8962531

Color Diagnostics, LLC DBA Color Health
Classification: Likely benign for Hereditary cancer-predisposing syndrome. Last evaluated: 2022-11-22. Review status: criteria provided, single submitter. Criteria: ACMG Guidelines, 2015. Collection method: clinical testing. Allele origin: germline.

NM_007294.4(BRCA1):c.*104G>A

Gene: BRCA1 (BRCA1 DNA repair associated; minus strand). Cytogenetic location: 17q21.31.
Variant type: single nucleotide variant.
Coding change: c.*104G>A on transcript NM_007294.4 (MANE Select); 104 bases downstream of the stop codon, G replaced by A.
Molecular consequence: 3 prime UTR variant.
Genome position (GRCh38, 1-based): chr17:43,045,574, C>T on the plus strand (G>A on the coding strand, the complement: BRCA1 is on the minus strand). VCF-style: chr17-43045574-C-T. GRCh37 (hg19) VCF-style: chr17-41197591-C-T.
Other names: c.*104G>A (NM_001407884.1, NM_001407885.1, NM_001407886.1 and 348 more transcripts); c.*210G>A (NM_001408472.1, NM_001408473.1, NM_001407854.1 and 14 more transcripts).
Identifiers: ClinVar variation 2774822 (VCV002774822.3), dbSNP rs762641426, ClinGen allele CA626075445.